The following is an entry in ClinVar:

NC_000003.12:g.(?_93973674)_(94126490_?)dup

Genes: STX19 (syntaxin 19; minus strand), ARL13B (ARF like GTPase 13B; plus strand), DHFR2 (dihydrofolate reductase 2; minus strand), PROS1 (protein S; minus strand), NSUN3 (NOP2/Sun RNA methyltransferase 3; plus strand). Cytogenetic location: 3q11.1.
Variant type: Duplication.
Identifiers: ClinVar variation 833008 (VCV000833008.2).

ClinVar aggregate classification (germline): Uncertain significance (1 of 4 stars; one submission).

Conditions:
Joubert syndrome 8 (JBTS8). Identifiers: Orphanet 475, MedGen C2676771, MONDO:0012855, OMIM 612291.

Submission:

Labcorp Genetics (formerly Invitae), Labcorp
Classification: Uncertain significance for Joubert syndrome 8. Last evaluated: 2020-01-15. Review status: criteria provided, single submitter. Criteria: Invitae Variant Classification Sherloc (09022015). Collection method: clinical testing. Allele origin: germline.
Comment: This variant results in a copy number gain of the genomic region encompassing the full coding sequence of the ARL13B gene. The boundaries of this event are unknown as they extend beyond the assayed region for this gene and therefore may encompass additional genes. As the precise location of this event is unknown, it may be in tandem or it may be located elsewhere in the genome. This variant has not been reported in the literature in individuals with ARL13B-related conditions. In summary, the available evidence is currently insufficient to determine the role of this variant in disease. Therefore, it has been classified as a Variant of Uncertain Significance.